The following is an entry in ClinVar:

NM_016373.4(WWOX):c.610C>A (p.Leu204Ile)

Gene: WWOX (WW domain containing oxidoreductase; plus strand). Cytogenetic location: 16q23.1.
Variant type: single nucleotide variant.
Coding change: c.610C>A on transcript NM_016373.4 (MANE Select); coding-DNA position 610, C replaced by A.
Protein change: p.Leu204Ile; replaces leucine 204 with isoleucine.
Molecular consequence: missense variant.
Genome position (GRCh38, 1-based): chr16:78,424,874, C>A. VCF-style: chr16-78424874-C-A. GRCh37 (hg19) VCF-style: chr16-78458771-C-A.
Other names: c.271C>A, p.Leu91Ile (NM_001291997.2); short protein forms L91I, L204I.
Identifiers: ClinVar variation 944030 (VCV000944030.8), dbSNP rs866341813, ClinGen allele CA284539950.

ClinVar aggregate classification (germline): Uncertain significance (1 of 4 stars; one submission).

Conditions:
Developmental and epileptic encephalopathy, 1 (DEE1). Also called: INFANTILE SPASM SYNDROME, X-LINKED 1; Epileptic encephalopathy, early infantile, 1; X-linked infantile spasms; West's syndrome; Tonic spasms with clustering, arrest of psychomotor development and hypsarrhythmia on EEG; X-Linked Infantile Spasm Syndrome. Identifiers: MedGen C3463992, MONDO:0010632, OMIM 308350. Disease mechanism: loss of function.
Autosomal recessive spinocerebellar ataxia 12. Also called: SPINOCEREBELLAR ATAXIA WITH MENTAL RETARDATION AND EPILEPSY. Identifiers: Orphanet 284282, MedGen C3280452, MONDO:0013687, OMIM 614322.

Submission:

Labcorp Genetics (formerly Invitae), Labcorp
Classification: Uncertain significance for Developmental and epileptic encephalopathy, 1; Autosomal recessive spinocerebellar ataxia 12. Last evaluated: 2023-05-15. Review status: criteria provided, single submitter. Criteria: Invitae Variant Classification Sherloc (09022015). Collection method: clinical testing. Allele origin: germline.
Comment: In summary, the available evidence is currently insufficient to determine the role of this variant in disease. Therefore, it has been classified as a Variant of Uncertain Significance. Advanced modeling of protein sequence and biophysical properties (such as structural, functional, and spatial information, amino acid conservation, physicochemical variation, residue mobility, and thermodynamic stability) performed at Invitae indicates that this missense variant is not expected to disrupt WWOX protein function. ClinVar contains an entry for this variant (Variation ID: 944030). This variant has not been reported in the literature in individuals affected with WWOX-related conditions. This variant is not present in population databases (gnomAD no frequency). This sequence change replaces leucine, which is neutral and non-polar, with isoleucine, which is neutral and non-polar, at codon 204 of the WWOX protein (p.Leu204Ile).